The following is an entry in ClinVar:

NM_001368882.1(COL13A1):c.1192C>A (p.Pro398Thr)

Gene: COL13A1 (collagen type XIII alpha 1 chain; plus strand). Cytogenetic location: 10q22.1.
Variant type: single nucleotide variant.
Coding change: c.1192C>A on transcript NM_001368882.1 (MANE Select); coding-DNA position 1192, C replaced by A.
Protein change: p.Pro398Thr; replaces proline 398 with threonine.
Molecular consequence: missense variant.
Genome position (GRCh38, 1-based): chr10:69,922,756, C>A. VCF-style: chr10-69922756-C-A. GRCh37 (hg19) VCF-style: chr10-71682512-C-A.
Other names: c.1159C>A (NM_001130103.1); c.529C>A, p.Pro177Thr (NM_001368886.1); c.1102C>A, p.Pro368Thr (NM_001368895.1, NM_080800.4); c.988C>A, p.Pro330Thr (NM_001368896.1, NM_001368898.1, NM_080798.4); c.1015C>A, p.Pro339Thr (NM_001368897.1); c.1093C>A, p.Pro365Thr (NM_080801.4, NM_080802.4, NM_001368885.1); c.1006C>A, p.Pro336Thr (NM_080805.4); c.1159C>A, p.Pro387Thr (NM_001130103.2); and 2 more; short protein forms P368T, P387T, P339T, P336T, P177T, P330T, P365T, P377T.
Identifiers: ClinVar variation 1435177 (VCV001435177.6), dbSNP rs888564814, ClinGen allele CA209269608.

ClinVar aggregate classification (germline): Uncertain significance. Review status: criteria provided, multiple submitters, no conflicts (2 of 4 stars). 2 submissions from 2 submitters: Uncertain significance (2). Last evaluated 2024-07-01.

Conditions:
Inborn genetic diseases. Identifiers: MedGen C0950123, MeSH D030342.

gnomAD v4.1: 2 of 1,604,932 alleles (0.00012%); highest among the groups gnomAD compares: Non-Finnish European, 0.000085%; no homozygotes.

Submissions (2):

Labcorp Genetics (formerly Invitae), Labcorp
Classification: Uncertain significance. Last evaluated: 2024-07-01. Review status: criteria provided, single submitter. Criteria: Invitae Variant Classification Sherloc (09022015). Collection method: clinical testing. Allele origin: germline.
Comment: This sequence change replaces proline, which is neutral and non-polar, with threonine, which is neutral and polar, at codon 387 of the COL13A1 protein (p.Pro387Thr). The frequency data for this variant in the population databases is considered unreliable, as metrics indicate poor data quality at this position in the gnomAD database. This variant has not been reported in the literature in individuals affected with COL13A1-related conditions. ClinVar contains an entry for this variant (Variation ID: 1435177). An algorithm developed to predict the effect of missense changes on protein structure and function (PolyPhen-2) suggests that this variant is likely to be disruptive. In summary, the available evidence is currently insufficient to determine the role of this variant in disease. Therefore, it has been classified as a Variant of Uncertain Significance.

Ambry Genetics
Classification: Uncertain significance for Inborn genetic diseases. Last evaluated: 2024-04-29. Review status: criteria provided, single submitter. Criteria: Ambry Variant Classification Scheme 2023. Collection method: clinical testing. Allele origin: germline.